The following is an entry in ClinVar:

ClinVar aggregate classification (germline): Likely benign (1 of 4 stars; one submission).

Allele frequency attached by ClinVar (database versions not stated): ESP Exome Variant Server 0.00170; gnomAD 0.00170; TOPMed 0.00181; ExAC 0.00189; gnomAD exomes 0.00294; 1000 Genomes Project 30x 0.00031; 1000 Genomes Project 0.00040.
gnomAD v4.1: 4,400 of 1,588,110 alleles (0.28%); highest among the groups gnomAD compares: Non-Finnish European, 0.35%; 7 homozygotes.

Submission:

CeGaT Center for Human Genetics Tuebingen
Classification: Likely benign. Last evaluated: 2024-02-01. Review status: criteria provided, single submitter. Criteria: CeGaT Center For Human Genetics Tuebingen Variant Classification Criteria Version 2. Collection method: clinical testing. Allele origin: germline. Affected: yes. Observed: 1 variant allele.
Comment: MIER1: BP4, BS1

NM_001077700.3(MIER1):c.1378T>C (p.Ser460Pro)

Genes: MIER1 (MIER1 transcriptional regulator; plus strand), SLC35D1 (solute carrier family 35 member D1; minus strand), LOC129388544 (MPRA-validated peak274 silencer; plus strand), LOC129930727 (ATAC-STARR-seq lymphoblastoid silent region 975; plus strand). Cytogenetic location: 1p31.3.
Variant type: single nucleotide variant.
Coding change: c.1378T>C on transcript NM_001077700.3 (MANE Select); coding-DNA position 1378, T replaced by C.
Protein change: p.Ser460Pro; replaces serine 460 with proline.
Molecular consequence: missense variant.
Genome position (GRCh38, 1-based): chr1:66,984,580, T>C. VCF-style: chr1-66984580-T-C. GRCh37 (hg19) VCF-style: chr1-67450263-T-C.
Other names: c.1219T>C, p.Ser407Pro (NM_001077701.3, NM_001077704.3); c.1270T>C, p.Ser424Pro (NM_001077702.3, NM_001146110.2, NM_001146111.2 and 1 more transcripts); c.1378T>C, p.Ser460Pro (NM_001077703.3); c.1138T>C, p.Ser380Pro (NM_001146112.2); c.1030T>C, p.Ser344Pro (NM_001146113.2); c.1489T>C, p.Ser497Pro (NM_001350530.2); short protein forms S344P, S380P, S407P, S424P, S460P, S497P.
Identifiers: ClinVar variation 3024943 (VCV003024943.22), dbSNP rs189050888, ClinGen allele CA898685.